The following is an entry in ClinVar:

NM_000038.6(APC):c.3264del (p.Lys1088fs)

Gene: APC (APC regulator of Wnt signaling pathway; plus strand). Cytogenetic location: 5q22.2.
Variant type: Deletion.
Coding change: c.3264del on transcript NM_000038.6 (MANE Select); coding-DNA position 3264, one base deleted (G; older notation c.3264delG).
Protein change: p.Lys1088fs; shifts the reading frame from lysine 1088.
Molecular consequence: frameshift variant.
Genome position (GRCh38, 1-based): chr5:112,838,858, G deleted. VCF-style (leftmost placement, unchanged base first): chr5-112838857-AG-A. GRCh37 (hg19) VCF-style: chr5-112174554-AG-A.
Other names: c.3264delG (NM_000038.5); c.3264del, p.Lys1088fs (NM_001127510.3, NM_001354895.2); c.3210del, p.Lys1070fs (NM_001127511.3); c.3318del, p.Lys1106fs (NM_001354896.2); c.3294del, p.Lys1098fs (NM_001354897.2); c.3189del, p.Lys1063fs (NM_001354898.2); c.3180del, p.Lys1060fs (NM_001354899.2); c.3141del, p.Lys1047fs (NM_001354900.2); and 6 more; short protein forms K962fs, K987fs, K1029fs, K1060fs, K928fs, K997fs, K1063fs, K1047fs.
Identifiers: ClinVar variation 492661 (VCV000492661.14), dbSNP rs1554084885, ClinGen allele CA658683403.
Genomic context (GRCh38, chr5:112,838,857, plus strand): 5'-CAAGGAATCAAAGTACAACTTATCCTGTTTATACTGAGAGCACTGATGATAAACACCTCA[AG>A]TTCCAACCACATTTTGGACAGCAGGAATGTGTTTCTCCATACAGGTCACGGGGAGCCAAT-3'

ClinVar aggregate classification (germline): Pathogenic. Review status: criteria provided, multiple submitters, no conflicts (2 of 4 stars). 4 submissions from 4 submitters: Pathogenic (3). 1 of the submissions does not count toward it. Last evaluated 2024-07-02.

Conditions:
Hereditary cancer-predisposing syndrome. Also called: Hereditary neoplastic syndrome; Tumor predisposition; Hereditary Cancer Syndrome; Neoplastic Syndromes, Hereditary. Identifiers: Orphanet 140162, MedGen C0027672, MeSH D009386, MONDO:0015356.
Familial adenomatous polyposis 1 (FAP1). Also called: FAMILIAL ADENOMATOUS POLYPOSIS 1, ATTENUATED; POLYPOSIS, ADENOMATOUS INTESTINAL. Identifiers: MedGen C2713442, MONDO:0021056, OMIM 175100. Disease mechanism: loss of function.

Submissions (4):

Labcorp Genetics (formerly Invitae), Labcorp
Classification: Pathogenic for Familial adenomatous polyposis 1. Last evaluated: 2024-07-02. Review status: criteria provided, single submitter. Criteria: Invitae Variant Classification Sherloc (09022015). Collection method: clinical testing. Allele origin: germline.
Comment: This sequence change creates a premature translational stop signal (p.Lys1088Asnfs*38) in the APC gene. While this is not anticipated to result in nonsense mediated decay, it is expected to disrupt the last 1756 amino acid(s) of the APC protein. This variant is not present in population databases (gnomAD no frequency). This premature translational stop signal has been observed in individual(s) with a personal and/or family history of familial adenomatous polyposis (FAP) (PMID: 20223039, 23159591). ClinVar contains an entry for this variant (Variation ID: 492661). This variant is expected to disrupt the EB1 and HDLG binding sites, which mediate interactions with the cytoskeleton (PMID: 15311282, 17293347). While functional studies have not been performed to directly test the effect on APC protein function, this suggests that disruption of the C-terminal portion of the protein is functionally important. A different truncation (p.Tyr2645Lysfs*14) that lies downstream of this variant has been determined to be pathogenic (PMID: 9824584, 1316610, 27081525, 8381579, 22135120, Invitae). This suggests that deletion of this region of the APC protein is causative of disease. For these reasons, this variant has been classified as Pathogenic.

Myriad Genetics, Inc.
Classification: Pathogenic for Familial adenomatous polyposis 1. Last evaluated: 2023-05-08. Review status: criteria provided, single submitter. Criteria: Myriad Autosomal Dominant, Autosomal Recessive and X-Linked Classification Criteria (2023). Collection method: clinical testing. Allele origin: unknown.
Comment: This variant is considered pathogenic. This variant creates a frameshift predicted to result in premature protein truncation.

Ambry Genetics
Classification: Pathogenic for Hereditary cancer-predisposing syndrome. Last evaluated: 2023-04-18. Review status: criteria provided, single submitter. Criteria: Ambry Variant Classification Scheme 2023. Collection method: clinical testing. Allele origin: germline.
Comment: The c.3264delG pathogenic mutation, located in coding exon 15 of the APC gene, results from a deletion of one nucleotide at nucleotide position 3264, causing a translational frameshift with a predicted alternate stop codon (p.K1088Nfs*38). This alteration has been observed in at least one individual with a personal and/or family history that is consistent with APC-related disease (Ambry internal data). This alteration is expected to result in loss of function by premature protein truncation. As such, this alteration is interpreted as a disease-causing mutation.

Mayo Clinic Laboratories, Mayo Clinic
Classification: Pathogenic. Review status: no assertion criteria provided. Collection method: clinical testing. Allele origin: unknown. Not counted in ClinVar's aggregate classification.

Literature cited by the submitters: PubMed 20223039 (cited by Labcorp Genetics (formerly Invitae), Labcorp); PubMed 23159591 (cited by Labcorp Genetics (formerly Invitae), Labcorp); PubMed 15311282 (cited by Labcorp Genetics (formerly Invitae), Labcorp); PubMed 17293347 (cited by Labcorp Genetics (formerly Invitae), Labcorp); PubMed 9824584 (cited by Labcorp Genetics (formerly Invitae), Labcorp); PubMed 1316610 (cited by Labcorp Genetics (formerly Invitae), Labcorp); PubMed 27081525 (cited by Labcorp Genetics (formerly Invitae), Labcorp); PubMed 8381579 (cited by Labcorp Genetics (formerly Invitae), Labcorp); PubMed 22135120 (cited by Labcorp Genetics (formerly Invitae), Labcorp).